The following is an entry in ClinVar:

NM_003906.5(MCM3AP):c.1282G>A (p.Gly428Ser)

Gene: MCM3AP (minichromosome maintenance complex component 3 associated protein; minus strand). Cytogenetic location: 21q22.3.
Variant type: single nucleotide variant.
Coding change: c.1282G>A on transcript NM_003906.5 (MANE Select); coding-DNA position 1282, G replaced by A.
Protein change: p.Gly428Ser; replaces glycine 428 with serine.
Molecular consequence: missense variant.
Genome position (GRCh38, 1-based): chr21:46,283,776, C>T on the plus strand (G>A on the coding strand, the complement: MCM3AP is on the minus strand). VCF-style: chr21-46283776-C-T. GRCh37 (hg19) VCF-style: chr21-47703690-C-T.
Other names: short protein forms G428S.
Identifiers: ClinVar variation 4716580 (VCV004716580.1).
Genomic context (GRCh38, chr21:46,283,776, plus strand): 5'-CGTTGAGGTAGTCAGGGATGTTCTTGCACTGGATGGCTGTGACTTCAGAGGGAGACAAGC[C>T]CCCAAGACTGTCTGTGCTCTCGCTTCTGTTACTCTGACGCGCCGGAGTTCCTCTTAGAGA-3'
Protein context (NP_003897.2, residues 418-438): NRSESTDSLG[Gly428Ser]LSPSEVTAIQ

ClinVar aggregate classification (germline): Uncertain significance (1 of 4 stars; one submission).

Submission:

Labcorp Genetics (formerly Invitae), Labcorp
Classification: Uncertain significance. Last evaluated: 2025-09-05. Review status: criteria provided, single submitter. Criteria: Invitae Variant Classification Sherloc (09022015). Collection method: clinical testing. Allele origin: germline.
Comment: This sequence change replaces glycine, which is neutral and non-polar, with serine, which is neutral and polar, at codon 428 of the MCM3AP protein (p.Gly428Ser). This variant is not present in population databases (gnomAD no frequency). This variant has not been reported in the literature in individuals affected with MCM3AP-related conditions. An algorithm developed to predict the effect of missense changes on protein structure and function outputs the following: PolyPhen-2: "Possibly Damaging". The serine amino acid residue is found in multiple mammalian species, which suggests that this missense change does not adversely affect protein function. In summary, the available evidence is currently insufficient to determine the role of this variant in disease. Therefore, it has been classified as a Variant of Uncertain Significance.